The following is an entry in ClinVar:

ClinVar aggregate classification (germline): Uncertain significance (1 of 4 stars; one submission).

gnomAD v4.1: 1 of 1,613,528 alleles (0.000062%); highest among the groups gnomAD compares: East Asian, 0.0022%; no homozygotes.

Submission:

Labcorp Genetics (formerly Invitae), Labcorp
Classification: Uncertain significance. Last evaluated: 2025-03-16. Review status: criteria provided, single submitter. Criteria: Invitae Variant Classification Sherloc (09022015). Collection method: clinical testing. Allele origin: germline.
Comment: This sequence change replaces histidine, which is basic and polar, with tyrosine, which is neutral and polar, at codon 107 of the COL27A1 protein (p.His107Tyr). This variant is present in population databases (no rsID available, gnomAD 0.006%). This variant has not been reported in the literature in individuals affected with COL27A1-related conditions. Invitae Evidence Modeling of protein sequence and biophysical properties (such as structural, functional, and spatial information, amino acid conservation, physicochemical variation, residue mobility, and thermodynamic stability) indicates that this missense variant is not expected to disrupt COL27A1 protein function with a negative predictive value of 95%. In summary, the available evidence is currently insufficient to determine the role of this variant in disease. Therefore, it has been classified as a Variant of Uncertain Significance.

NM_032888.4(COL27A1):c.319C>T (p.His107Tyr)

Gene: COL27A1 (collagen type XXVII alpha 1 chain; plus strand). Cytogenetic location: 9q32.
Variant type: single nucleotide variant.
Coding change: c.319C>T on transcript NM_032888.4 (MANE Select); coding-DNA position 319, C replaced by T.
Protein change: p.His107Tyr; replaces histidine 107 with tyrosine.
Molecular consequence: missense variant.
Genome position (GRCh38, 1-based): chr9:114,167,874, C>T. VCF-style: chr9-114167874-C-T. GRCh37 (hg19) VCF-style: chr9-116930154-C-T.
Other names: short protein forms H107Y.
Identifiers: ClinVar variation 4703897 (VCV004703897.1).